The following is an entry in ClinVar:

ClinVar aggregate classification (germline): Pathogenic. Review status: criteria provided, multiple submitters, no conflicts (2 of 4 stars). 4 submissions from 4 submitters: Pathogenic (4). Last evaluated 2026-05-29.

Conditions:
Hereditary cancer-predisposing syndrome. Also called: Hereditary neoplastic syndrome; Neoplastic Syndromes, Hereditary; Hereditary Cancer Syndrome; Tumor predisposition. Identifiers: Orphanet 140162, MedGen C0027672, MeSH D009386, MONDO:0015356.
Retinoblastoma (RB1). Also called: RETINOBLASTOMA, SOMATIC. Identifiers: Orphanet 790, MedGen C0035335, MeSH D012175, MONDO:0008380, OMIM 180200, HP:0009919. Disease mechanism: loss of function. Inheritance: Both sporadic and heritable forms are tested..

Submissions (4):

Diller/Parad Lab, Dana-Farber/Harvard Cancer Center
Classification: Pathogenic for Retinoblastoma. Last evaluated: 2026-05-29. Review status: criteria provided, single submitter. Criteria: ACMG Guidelines, 2015. Collection method: research. Allele origin: germline. Affected: yes.
Comment: It has been classified as Pathogenic using Richards et al (PMID:25741868) based on the following evidence codes: PM2, PVS1, PP3.

Labcorp Genetics (formerly Invitae), Labcorp
Classification: Pathogenic for Retinoblastoma. Last evaluated: 2025-06-20. Review status: criteria provided, single submitter. Criteria: Invitae Variant Classification Sherloc (09022015). Collection method: clinical testing. Allele origin: germline.
Comment: This sequence change creates a premature translational stop signal (p.Trp99*) in the RB1 gene. It is expected to result in an absent or disrupted protein product. Loss-of-function variants in RB1 are known to be pathogenic (PMID: 17096365). This variant is not present in population databases (gnomAD no frequency). This premature translational stop signal has been observed in individual(s) with retinoblastoma (PMID: 12402348, 29568217). This variant is also known as g39478G>A. ClinVar contains an entry for this variant (Variation ID: 196251). For these reasons, this variant has been classified as Pathogenic.

Ambry Genetics
Classification: Pathogenic for Hereditary cancer-predisposing syndrome. Last evaluated: 2025-03-16. Review status: criteria provided, single submitter. Criteria: Ambry Variant Classification Scheme 2023. Collection method: clinical testing. Allele origin: germline.
Comment: The p.W99* pathogenic mutation (also known as c.297G>A), located in coding exon 3 of the RB1 gene, results from a G to A substitution at nucleotide position 297. This changes the amino acid from a tryptophan to a stop codon within coding exon 3. This alteration has been detected in 1/42 Chinese patients with sporadic retinoblastoma (Choy KW et al. Hum. Mutat. 2002 Nov;20:408). In addition to the clinical data presented in the literature, this alteration is expected to result in loss of function by premature protein truncation or nonsense-mediated mRNA decay. As such, this alteration is interpreted as a disease-causing mutation.

Eurofins Ntd Llc (ga)
Classification: Pathogenic. Last evaluated: 2014-11-13. Review status: criteria provided, single submitter. Criteria: EGL Classification Definitions 2015. Collection method: clinical testing. Allele origin: germline. Observed: 1 variant allele, 1 heterozygote.

Literature cited by the submitters: PubMed 17096365 (cited by Labcorp Genetics (formerly Invitae), Labcorp); PubMed 12402348 (cited by Labcorp Genetics (formerly Invitae), Labcorp and Ambry Genetics); PubMed 29568217 (cited by Labcorp Genetics (formerly Invitae), Labcorp); PubMed 7795591 (cited by Eurofins Ntd Llc (ga)).

NM_000321.3(RB1):c.297G>A (p.Trp99Ter)

Gene: RB1 (RB transcriptional corepressor 1; plus strand). Cytogenetic location: 13q14.2.
Variant type: single nucleotide variant.
Coding change: c.297G>A on transcript NM_000321.3 (MANE Select); coding-DNA position 297, G replaced by A.
Protein change: p.Trp99Ter; replaces tryptophan 99 with a stop codon.
Molecular consequence: nonsense.
Genome position (GRCh38, 1-based): chr13:48,342,631, G>A. VCF-style: chr13-48342631-G-A. GRCh37 (hg19) VCF-style: chr13-48916767-G-A.
Other names: short protein forms W99*.
Identifiers: ClinVar variation 196251 (VCV000196251.17), dbSNP rs794727481, ClinGen allele CA026447.
Genomic context (GRCh38, chr13:48,342,631, plus strand): 5'-ATATTTGATCTTTATTTTTTGTTCCCAGGGAGGTTATATTCAAAAGAAAAAGGAACTGTG[G>A]GGAATCTGTATCTTTATTGCAGCAGTTGACCTAGATGAGATGTCGTTCACTTTTACTGAG-3'